The following is an entry in ClinVar:

ClinVar aggregate classification (germline): Pathogenic. Review status: criteria provided, multiple submitters, no conflicts (2 of 4 stars). 2 submissions from 2 submitters: Pathogenic (2). Last evaluated 2019-10-01.

Submissions (2):

CeGaT Center for Human Genetics Tuebingen
Classification: Pathogenic. Last evaluated: 2019-10-01. Review status: criteria provided, single submitter. Criteria: CeGaT Center For Human Genetics Tuebingen Variant Classification Criteria Version 2. Collection method: clinical testing. Allele origin: germline. Affected: yes. Observed: 3 variant alleles.

GeneDx
Classification: Pathogenic. Last evaluated: 2014-10-01. Review status: criteria provided, single submitter. Criteria: GeneDx Variant Classification (06012015). Collection method: clinical testing. Allele origin: germline. Affected: yes.
Comment: This variant is denoted c.966dupG: p.Pro323AlafsX19 (P323AfsX19) in exon 1 of the PCDH19 gene (NM_001105243.1). The normal sequence with the base that is duplicated in braces is: TGGG{G}CCCA. The c.966dupG mutation in the PCDH19 gene causes a frameshift starting with codon Proline 323, changes this amino acid to an Alanine residue and creates a premature Stop codon at position 19 of the new reading frame, denoted p.Pro323AlafsX19. This mutation is predicted to cause loss of normal protein function either through protein truncation or nonsense-mediated mRNA decay. Although this mutation has not been previously reported to our knowledge, other frameshift mutations have been reported in association with PCDH19-related disorders. Therefore, the presence of c.966dupG is consistent with a diagnosis of a PCDH19-related disorder. The variant is found in EPILEPSY panel(s).

NM_001184880.2(PCDH19):c.966dup (p.Pro323fs)

Gene: PCDH19 (protocadherin 19; minus strand). Cytogenetic location: Xq22.1.
Variant type: Duplication.
Coding change: c.966dup on transcript NM_001184880.2 (MANE Select); coding-DNA position 966, one base duplicated (G; older notation c.966dupG).
Protein change: p.Pro323fs; shifts the reading frame from proline 323.
Molecular consequence: frameshift variant.
Genome position (GRCh38, 1-based): chrX:100,407,632, C duplicated on the plus strand (G on the coding strand, the reverse complement: PCDH19 is on the minus strand); the first of 4 consecutive C bases (chrX:100,407,632-100,407,635); duplicating any one gives the same sequence. VCF-style (leftmost placement, unchanged base first): chrX-100407631-G-GC. GRCh37 (hg19) VCF-style: chrX-99662629-G-GC.
Other names: c.966dup, p.Pro323fs (NM_001105243.2, NM_020766.3); short protein forms P323fs.
Identifiers: ClinVar variation 206368 (VCV000206368.42), dbSNP rs796052842, ClinGen allele CA316427.